The following is an entry in ClinVar:

ClinVar aggregate classification (germline): Uncertain significance. Review status: criteria provided, multiple submitters, no conflicts (2 of 4 stars). 2 submissions from 2 submitters: Uncertain significance (2). Last evaluated 2024-03-13.

Conditions:
Fanconi anemia (FA). Also called: Fanconi's anemia. Identifiers: Orphanet 84, MedGen C0015625, MeSH D005199, MONDO:0019391.
Fanconi anemia complementation group I (FANCI). Also called: FANCI-Related Fanconi Anemia. Identifiers: Orphanet 84, MedGen C1836861, MONDO:0012186, OMIM 609053.

Allele frequency attached by ClinVar (database versions not stated): gnomAD exomes below 0.00001; TOPMed below 0.00001.
gnomAD v4.1: 2 of 1,613,620 alleles (0.00012%); highest among the groups gnomAD compares: South Asian, 0.0011%; no homozygotes.

Submissions (2):

Fulgent Genetics
Classification: Uncertain significance for Fanconi anemia complementation group I. Last evaluated: 2024-03-13. Review status: criteria provided, single submitter. Criteria: ACMG Guidelines, 2015. Collection method: clinical testing. Allele origin: germline.

Labcorp Genetics (formerly Invitae), Labcorp
Classification: Uncertain significance for Fanconi anemia. Last evaluated: 2023-11-04. Review status: criteria provided, single submitter. Criteria: Invitae Variant Classification Sherloc (09022015). Collection method: clinical testing. Allele origin: germline.
Comment: This sequence change affects codon 504 of the FANCI mRNA. It is a 'silent' change, meaning that it does not change the encoded amino acid sequence of the FANCI protein. This variant also falls at the last nucleotide of exon 15, which is part of the consensus splice site for this exon. This variant is not present in population databases (gnomAD no frequency). This variant has not been reported in the literature in individuals affected with FANCI-related conditions. ClinVar contains an entry for this variant (Variation ID: 1395893). Variants that disrupt the consensus splice site are a relatively common cause of aberrant splicing (PMID: 17576681, 9536098). Algorithms developed to predict the effect of sequence changes on RNA splicing suggest that this variant may disrupt the consensus splice site. In summary, the available evidence is currently insufficient to determine the role of this variant in disease. Therefore, it has been classified as a Variant of Uncertain Significance.

Literature cited by the submitters: PubMed 17576681 (cited by Labcorp Genetics (formerly Invitae), Labcorp); PubMed 9536098 (cited by Labcorp Genetics (formerly Invitae), Labcorp).

NM_001113378.2(FANCI):c.1512G>A (p.Gln504=)

Gene: FANCI (FA complementation group I; plus strand). Cytogenetic location: 15q26.1.
Variant type: single nucleotide variant.
Coding change: c.1512G>A on transcript NM_001113378.2 (MANE Select); coding-DNA position 1512, G replaced by A.
Protein change: p.Gln504=; no amino-acid change (glutamine 504 retained).
Molecular consequence: synonymous variant.
Genome position (GRCh38, 1-based): chr15:89,281,300, G>A. VCF-style: chr15-89281300-G-A. GRCh37 (hg19) VCF-style: chr15-89824531-G-A.
Other names: c.1233G>A, p.Gln411= (NM_001376910.1); c.1512G>A, p.Gln504= (NM_001376911.1, NM_018193.3).
Identifiers: ClinVar variation 1395893 (VCV001395893.6), dbSNP rs377762481, ClinGen allele CA274560380.